The following is an entry in ClinVar:

NM_001165963.4(SCN1A):c.5179G>T (p.Asp1727Tyr)

Genes: SCN1A (sodium voltage-gated channel alpha subunit 1; minus strand), LOC102724058 (uncharacterized LOC102724058; plus strand). Cytogenetic location: 2q24.3.
Variant type: single nucleotide variant.
Coding change: c.5179G>T on transcript NM_001165963.4 (MANE Select); coding-DNA position 5179, G replaced by T.
Protein change: p.Asp1727Tyr; replaces aspartic acid 1727 with tyrosine.
Molecular consequence: missense variant. On other transcripts: non-coding transcript variant (1).
Genome position (GRCh38, 1-based): chr2:165,992,096, C>A on the plus strand (G>T on the coding strand, the complement: SCN1A is on the minus strand). VCF-style: chr2-165992096-C-A. GRCh37 (hg19) VCF-style: chr2-166848606-C-A.
Other names: c.5095G>T, p.Asp1699Tyr (NM_001165964.3, NM_001353957.2, NM_001353958.2); c.5179G>T, p.Asp1727Tyr (NM_001202435.3, NM_001353948.2); c.5146G>T, p.Asp1716Tyr (NM_001353949.2, NM_001353950.2, NM_001353951.2 and 2 more transcripts); c.5143G>T, p.Asp1715Tyr (NM_001353954.2, NM_001353955.2); c.5092G>T, p.Asp1698Tyr (NM_001353960.2); c.2737G>T, p.Asp913Tyr (NM_001353961.2); short protein forms D1715Y, D1698Y, D1699Y, D1716Y, D1727Y, D913Y.
Identifiers: ClinVar variation 834858 (VCV000834858.2), dbSNP rs1689278461, ClinGen allele CA349068756.
Genomic context (GRCh38, chr2:165,992,096, plus strand): 5'-TAACTTTATTAGGGTCACAGTCGGGTGGCTTACTGTTGAGAATGGGTGCTAGCAATCCAT[C>A]CCAGCCAGCAGAGGTTGTAATTTGGAATAGGCAGATCATGCTGTTGCCAAAGGTCTCAAA-3'
Protein context (NP_001159435.1, residues 1717-1737): LFQITTSAGW[Asp1727Tyr]GLLAPILNSK

ClinVar aggregate classification (germline): Likely pathogenic (1 of 4 stars; one submission).

Conditions:
Developmental and epileptic encephalopathy. Identifiers: MedGen C5779964, MONDO:0100620.

Submission:

Labcorp Genetics (formerly Invitae), Labcorp
Classification: Likely pathogenic for Early infantile epileptic encephalopathy with suppression bursts. Last evaluated: 2019-12-03. Review status: criteria provided, single submitter. Criteria: Invitae Variant Classification Sherloc (09022015). Collection method: clinical testing. Allele origin: germline.
Comment: This sequence change replaces aspartic acid with tyrosine at codon 1727 of the SCN1A protein (p.Asp1727Tyr). The aspartic acid residue is highly conserved and there is a large physicochemical difference between aspartic acid and tyrosine. This variant is not present in population databases (ExAC no frequency). This variant has been observed in individual(s) with Dravet syndrome (PMID: 31001185, Invitae). Algorithms developed to predict the effect of missense changes on protein structure and function (SIFT, PolyPhen-2, Align-GVGD) all suggest that this variant is likely to be disruptive, but these predictions have not been confirmed by published functional studies and their clinical significance is uncertain. Algorithms developed to predict the effect of sequence changes on RNA splicing suggest that this variant may create or strengthen a splice site, but this prediction has not been confirmed by published transcriptional studies. This variant disrupts the p.Asp1727 amino acid residue in SCN1A. Other variant(s) that disrupt this residue have been observed in individuals with SCN1A-related conditions (PMID: 23195492), which suggests that this may be a clinically significant amino acid residue. In summary, the currently available evidence indicates that the variant is pathogenic, but additional data are needed to prove that conclusively. Therefore, this variant has been classified as Likely Pathogenic.

Literature cited by the submitters: PubMed 31001185; PubMed 23195492.